The following is an entry in ClinVar:

NM_015404.4(WHRN):c.1850C>G (p.Ser617Trp)

Gene: WHRN (whirlin; minus strand). Cytogenetic location: 9q32.
Variant type: single nucleotide variant.
Coding change: c.1850C>G on transcript NM_015404.4 (MANE Select); coding-DNA position 1850, C replaced by G.
Protein change: p.Ser617Trp; replaces serine 617 with tryptophan.
Molecular consequence: missense variant.
Genome position (GRCh38, 1-based): chr9:114,406,741, G>C on the plus strand (C>G on the coding strand, the complement: WHRN is on the minus strand). VCF-style: chr9-114406741-G-C. GRCh37 (hg19) VCF-style: chr9-117169021-G-C.
Other names: c.701C>G, p.Ser234Trp (NM_001083885.3); c.1850C>G, p.Ser617Trp (NM_001173425.2); c.797C>G, p.Ser266Trp (NM_001346890.1); short protein forms S234W, S266W, S617W.
Identifiers: ClinVar variation 1021512 (VCV001021512.7), dbSNP rs150146590, ClinGen allele CA5205801.

ClinVar aggregate classification (germline): Uncertain significance (1 of 4 stars; one submission).

Allele frequency attached by ClinVar (database versions not stated): TOPMed 0.00007; ESP Exome Variant Server 0.00015; 1000 Genomes Project 30x 0.00016; 1000 Genomes Project 0.00020.
gnomAD v4.1: 19 of 1,614,150 alleles (0.0012%); highest among the groups gnomAD compares: African/African-American, 0.023%; no homozygotes.

Submission:

Labcorp Genetics (formerly Invitae), Labcorp
Classification: Uncertain significance. Last evaluated: 2023-07-17. Review status: criteria provided, single submitter. Criteria: Invitae Variant Classification Sherloc (09022015). Collection method: clinical testing. Allele origin: germline.
Comment: In summary, the available evidence is currently insufficient to determine the role of this variant in disease. Therefore, it has been classified as a Variant of Uncertain Significance. An algorithm developed to predict the effect of missense changes on protein structure and function (PolyPhen-2) suggests that this variant is likely to be disruptive. ClinVar contains an entry for this variant (Variation ID: 1021512). This variant has not been reported in the literature in individuals affected with WHRN-related conditions. This variant is present in population databases (rs150146590, gnomAD 0.03%). This sequence change replaces serine, which is neutral and polar, with tryptophan, which is neutral and slightly polar, at codon 617 of the WHRN protein (p.Ser617Trp).